The following is an entry in ClinVar:

ClinVar aggregate classification (germline): Uncertain significance. Review status: criteria provided, multiple submitters, no conflicts (2 of 4 stars). 3 submissions from 3 submitters: Uncertain significance (3). Last evaluated 2025-04-12.

Conditions:
A2ML1-related disorder. Also called: A2ML1-related condition.

Allele frequency attached by ClinVar (database versions not stated): gnomAD exomes below 0.00001; TOPMed 0.00001.
gnomAD v4.1: 5 of 1,614,110 alleles (0.00031%); highest among the groups gnomAD compares: African/African-American, 0.004%; no homozygotes.

Submissions (3):

Ambry Genetics
Classification: Uncertain significance. Last evaluated: 2025-04-12. Review status: criteria provided, single submitter. Criteria: Ambry Variant Classification Scheme 2023. Collection method: clinical testing. Allele origin: germline.
Comment: The p.Q255P variant (also known as c.764A>C), located in coding exon 8 of the A2ML1 gene, results from an A to C substitution at nucleotide position 764. The glutamine at codon 255 is replaced by proline, an amino acid with similar properties. This amino acid position is conserved. In addition, this alteration is predicted to be tolerated by in silico analysis. Since supporting evidence is limited at this time, the clinical significance of this alteration remains unclear.

PreventionGenetics, part of Exact Sciences
Classification: Uncertain significance for A2ML1-related condition. Last evaluated: 2023-04-10. Review status: criteria provided, single submitter. Criteria: ACMG Guidelines, 2015. Collection method: clinical testing. Allele origin: germline.
Comment: The A2ML1 c.764A>C variant is predicted to result in the amino acid substitution p.Gln255Pro. To our knowledge, this variant has not been reported in the literature. This variant is reported in 0.012% of alleles in individuals of African descent in gnomAD. Although we suspect that this variant may be benign, at this time, the clinical significance of this variant is uncertain due to the absence of conclusive functional and genetic evidence.

Labcorp Genetics (formerly Invitae), Labcorp
Classification: Uncertain significance. Last evaluated: 2022-01-21. Review status: criteria provided, single submitter. Criteria: Invitae Variant Classification Sherloc (09022015). Collection method: clinical testing. Allele origin: germline.
Comment: In summary, the available evidence is currently insufficient to determine the role of this variant in disease. Therefore, it has been classified as a Variant of Uncertain Significance. Algorithms developed to predict the effect of missense changes on protein structure and function (SIFT, PolyPhen-2, Align-GVGD) all suggest that this variant is likely to be tolerated. This variant has not been reported in the literature in individuals affected with A2ML1-related conditions. This variant is present in population databases (no rsID available, gnomAD 0.01%). This sequence change replaces glutamine, which is neutral and polar, with proline, which is neutral and non-polar, at codon 255 of the A2ML1 protein (p.Gln255Pro).

NM_144670.6(A2ML1):c.764A>C (p.Gln255Pro)

Gene: A2ML1 (alpha-2-macroglobulin like 1; plus strand). Cytogenetic location: 12p13.31.
Variant type: single nucleotide variant.
Coding change: c.764A>C on transcript NM_144670.6 (MANE Select); coding-DNA position 764, A replaced by C.
Protein change: p.Gln255Pro; replaces glutamine 255 with proline.
Molecular consequence: missense variant.
Genome position (GRCh38, 1-based): chr12:8,837,475, A>C. VCF-style: chr12-8837475-A-C. GRCh37 (hg19) VCF-style: chr12-8990071-A-C.
Other names: c.764A>C (NM_144670.5); short protein forms Q255P.
Identifiers: ClinVar variation 1759964 (VCV001759964.9), dbSNP rs979879565, ClinGen allele CA232671636.
Genomic context (GRCh38, chr12:8,837,475, plus strand): 5'-GACTCCTTATGCTTTTCTTGGTTAGGTACACCTATGGAAAGCCCATGCTAGGGGCAGTGC[A>C]GGTATCTGTGTGTCAGAAGGCAAATACTTACTGGTATCGAGAGGTGGAACGGGAACAGCT-3'
Protein context (NP_653271.3, residues 245-265): TYGKPMLGAV[Gln255Pro]VSVCQKANTY